The following is an entry in ClinVar:

ClinVar aggregate classification (germline): Benign (0 of 4 stars; one submission).

Conditions:
SYNE1-related disorder. Also called: SYNE1-related disease; SYNE1-related condition; SYNE1-related disorders.

Allele frequency attached by ClinVar (database versions not stated): gnomAD 0.00521; 1000 Genomes Project 0.00679; 1000 Genomes Project 30x 0.00703; ExAC 0.00165; TOPMed 0.00612.
gnomAD v4.1: 1,224 of 770,094 alleles (0.16%); highest among the groups gnomAD compares: African/African-American, 1.8%; 12 homozygotes.

Submission:

PreventionGenetics, part of Exact Sciences
Classification: Benign for SYNE1-related condition. Last evaluated: 2020-01-20. Review status: no assertion criteria provided. Collection method: clinical testing. Allele origin: germline.
Comment: This variant is classified as benign based on ACMG/AMP sequence variant interpretation guidelines (Richards et al. 2015 PMID: 25741868, with internal and published modifications).

NM_001347702.2(SYNE1):c.12G>A (p.Ala4=)

Gene: SYNE1 (spectrin repeat containing nuclear envelope protein 1; minus strand). Cytogenetic location: 6q25.2.
Variant type: single nucleotide variant.
Coding change: c.12G>A on transcript NM_001347702.2 (MANE Plus Clinical); coding-DNA position 12, G replaced by A.
Protein change: p.Ala4=; no amino-acid change (alanine 4 retained).
Molecular consequence: synonymous variant. On other transcripts: intron variant (3).
Genome position (GRCh38, 1-based): chr6:152,168,193, C>T on the plus strand (G>A on the coding strand, the complement: SYNE1 is on the minus strand). VCF-style: chr6-152168193-C-T. GRCh37 (hg19) VCF-style: chr6-152489328-C-T.
Other names: c.23628-3868G>A (NM_182961.4); c.23415-3868G>A (NM_033071.5); c.234-3868G>A (NM_001347701.2).
Identifiers: ClinVar variation 3056928 (VCV003056928.2), dbSNP rs138295965, ClinGen allele CA4053532.
Genomic context (GRCh38, chr6:152,168,193, plus strand): 5'-ATCTGGGAGATCTGCATCCACACAGCTGTCCTCTGCCATCCTCAGGGCACTCAGGTCCTC[C>T]GCCACCACCATGAAGCTTCCACTTGCAAAAGTTAGACTCTGCAGAGCAAAAAGCTATATC-3'
Protein context (NP_001334631.1, residues 1-14): MVV[Ala4=]EDLSALRMAE